The following is an entry in ClinVar:

NM_000264.5(PTCH1):c.19G>C (p.Ala7Pro)

Genes: PTCH1 (patched 1; minus strand), LOC130002133 (ATAC-STARR-seq lymphoblastoid silent region 20071; plus strand). Cytogenetic location: 9q22.32.
Variant type: single nucleotide variant.
Coding change: c.19G>C on transcript NM_000264.5 (MANE Select); coding-DNA position 19, G replaced by C.
Protein change: p.Ala7Pro; replaces alanine 7 with proline.
Molecular consequence: missense variant. On other transcripts: non-coding transcript variant (1), intron variant (3).
Genome position (GRCh38, 1-based): chr9:95,508,343, C>G on the plus strand (G>C on the coding strand, the complement: PTCH1 is on the minus strand). VCF-style: chr9-95508343-C-G. GRCh37 (hg19) VCF-style: chr9-98270625-C-G.
Other names: c.19G>C, p.Ala7Pro (NM_001354918.2); c.199-1744G>C (NM_001083603.3); c.4-1744G>C (NM_001083602.3, NM_001354919.2); short protein forms A7P.
Identifiers: ClinVar variation 4146849 (VCV004146849.1).
Genomic context (GRCh38, chr9:95,508,343, plus strand): 5'-GCCGTCCCGGGGCACCGATACAGCCGCTGCCGCCGCCGCCGCGGTCCTGGGGCTCGGCGG[C>G]GTTACCAGCCGAGGCCATGTTGCCGCCGCCGCCGCCGCCGCCGCGGGGACGGAGGCTTCC-3'
Protein context (NP_000255.2, residues 1-17): MASAGN[Ala7Pro]AEPQDRGGGG

ClinVar aggregate classification (germline): Uncertain significance (1 of 4 stars; one submission).

Conditions:
Hereditary cancer-predisposing syndrome. Also called: Hereditary neoplastic syndrome; Neoplastic Syndromes, Hereditary; Tumor predisposition; Hereditary Cancer Syndrome. Identifiers: Orphanet 140162, MedGen C0027672, MeSH D009386, MONDO:0015356.

Submission:

Ambry Genetics
Classification: Uncertain significance for Hereditary cancer-predisposing syndrome. Last evaluated: 2025-06-28. Review status: criteria provided, single submitter. Criteria: Ambry Variant Classification Scheme 2023. Collection method: clinical testing. Allele origin: germline.
Comment: The p.A7P variant (also known as c.19G>C), located in coding exon 1 of the PTCH1 gene, results from a G to C substitution at nucleotide position 19. The alanine at codon 7 is replaced by proline, an amino acid with highly similar properties. This amino acid position is conserved. In addition, this alteration is predicted to be tolerated by in silico analysis. Based on the available evidence, the clinical significance of this variant remains unclear.